The following is an entry in ClinVar:

ClinVar aggregate classification (germline): Pathogenic (1 of 4 stars; one submission).

Conditions:
Meckel syndrome, type 4 (MKS4). Also called: MECKEL-GRUBER SYNDROME, TYPE 4. Identifiers: Orphanet 564, MedGen C1970161, MONDO:0012626, OMIM 611134.

Submission:

Laboratory of Medical Genetics, National & Kapodistrian University of Athens
Classification: Pathogenic for Meckel syndrome, type 4. Last evaluated: 2021-10-08. Review status: criteria provided, single submitter. Criteria: ACMG Guidelines, 2015. Collection method: clinical testing. Allele origin: germline. Affected: yes.
Comment: PVS1, PM2, PP4

NM_025114.4(CEP290):c.143_144del (p.Val48fs)

Gene: CEP290 (centrosomal protein 290; minus strand). Cytogenetic location: 12q21.32.
Variant type: Microsatellite.
Coding change: c.143_144del on transcript NM_025114.4 (MANE Select); coding-DNA positions 143 to 144, 2 bases deleted (TG; older notation c.143_144delTG).
Protein change: p.Val48fs; shifts the reading frame from valine 48.
Molecular consequence: frameshift variant.
Genome position (GRCh38, 1-based): chr12:88,140,992-88,140,993, CA deleted on the plus strand (TG on the coding strand, the reverse complement: CEP290 is on the minus strand); deleting any 2 consecutive bases within chr12:88,140,992-88,140,995 gives the same sequence; the c. name uses the placement nearest the transcript's 3' end. VCF-style (leftmost placement, unchanged base first): chr12-88140991-TCA-T. GRCh37 (hg19) VCF-style: chr12-88534768-TCA-T.
Other names: short protein forms V48fs.
Identifiers: ClinVar variation 1708099 (VCV001708099.1), dbSNP rs2501851232, ClinGen allele CA2580616830.